The following is an entry in ClinVar:

ClinVar aggregate classification (germline): Pathogenic (1 of 4 stars; one submission).

Conditions:
Short-rib thoracic dysplasia 10 with or without polydactyly (SRTD10). Identifiers: Orphanet 474, MedGen C3810175, MONDO:0014284, OMIM 615630.
Retinitis pigmentosa 71 (RP71). Identifiers: Orphanet 791, MedGen C4225342, MONDO:0014618, OMIM 616394.

Submission:

Labcorp Genetics (formerly Invitae), Labcorp
Classification: Pathogenic for Retinitis pigmentosa 71; Short-rib thoracic dysplasia 10 with or without polydactyly. Last evaluated: 2022-06-05. Review status: criteria provided, single submitter. Criteria: Invitae Variant Classification Sherloc (09022015). Collection method: clinical testing. Allele origin: germline.
Comment: This variant is a gross deletion of the genomic region encompassing exon(s) 15-16 of the IFT172 gene. This deletion is out-of-frame, and is expected to create a premature termination codon and result in an absent or disrupted protein product. Loss-of-function variants in IFT172 are known to be pathogenic (PMID: 24140113). This variant has not been reported in the literature in individuals affected with IFT172-related conditions. For these reasons, this variant has been classified as Pathogenic.

Literature cited by the submitters: PubMed 24140113.

NC_000002.11:g.(?_27693775)_(27695249_?)del

Gene: IFT172 (intraflagellar transport 172; minus strand). Cytogenetic location: 2p23.3.
Variant type: Deletion.
Identifiers: ClinVar variation 2426208 (VCV002426208.4).